The following is an entry in ClinVar:

ClinVar aggregate classification (germline): Uncertain significance (1 of 4 stars; one submission).

Conditions:
PIEZO1-related disorder. Also called: PIEZO1-Related Disorders; PIEZO1-related condition.

Submission:

PreventionGenetics, part of Exact Sciences
Classification: Uncertain significance for PIEZO1-related condition. Last evaluated: 2022-09-15. Review status: criteria provided, single submitter. Criteria: ACMG Guidelines, 2015. Collection method: clinical testing. Allele origin: germline.
Comment: The PIEZO1 c.5758G>C variant is predicted to result in the amino acid substitution p.Val1920Leu. To our knowledge, this variant has not been reported in the literature. This variant is reported in 0.0017% of alleles in individuals of European (Non-Finnish) descent in gnomAD. At this time, the clinical significance of this variant is uncertain due to the absence of conclusive functional and genetic evidence.

NM_001142864.4(PIEZO1):c.5758G>C (p.Val1920Leu)

Gene: PIEZO1 (piezo type mechanosensitive ion channel component 1 (Er blood group); minus strand). Cytogenetic location: 16q24.3.
Variant type: single nucleotide variant.
Coding change: c.5758G>C on transcript NM_001142864.4 (MANE Select); coding-DNA position 5758, G replaced by C.
Protein change: p.Val1920Leu; replaces valine 1920 with leucine.
Molecular consequence: missense variant.
Genome position (GRCh38, 1-based): chr16:88,720,659, C>G on the plus strand (G>C on the coding strand, the complement: PIEZO1 is on the minus strand). VCF-style: chr16-88720659-C-G. GRCh37 (hg19) VCF-style: chr16-88787067-C-G.
Other names: c.4300G>C, p.Val1434Leu (NM_014745.1); short protein forms V1434L, V1920L.
Identifiers: ClinVar variation 2629111 (VCV002629111.1), dbSNP rs746079204, ClinGen allele CA397088675.
Genomic context (GRCh38, chr16:88,720,659, plus strand): 5'-CGGCCGCCATCACTCACAGGGACAGGCAGAAGCCCTGCAGCCGCCGCCCGGCCGCCCTTA[C>G]TCTTCCTCCAGAGCGGCTTGGCCTCTTCTCTCTCCCCGTGGGGGCCTCTTTCTCTTCCTC-3'
Protein context (NP_001136336.2, residues 1910-1930): EKRPSRSGGR[Val1920Leu]RAAGRRLQGF